The following is an entry in ClinVar:

NM_001999.4(FBN2):c.7874A>G (p.Gln2625Arg)

Gene: FBN2 (fibrillin 2; minus strand). Cytogenetic location: 5q23.3.
Variant type: single nucleotide variant.
Coding change: c.7874A>G on transcript NM_001999.4 (MANE Select); coding-DNA position 7874, A replaced by G.
Protein change: p.Gln2625Arg; replaces glutamine 2625 with arginine.
Molecular consequence: missense variant.
Genome position (GRCh38, 1-based): chr5:128,272,085, T>C on the plus strand (A>G on the coding strand, the complement: FBN2 is on the minus strand). VCF-style: chr5-128272085-T-C. GRCh37 (hg19) VCF-style: chr5-127607777-T-C.
Other names: c.7874A>G (NM_001999.3); short protein forms Q2625R.
Identifiers: ClinVar variation 3612612 (VCV003612612.3).

ClinVar aggregate classification (germline): Uncertain significance. Review status: criteria provided, multiple submitters, no conflicts (2 of 4 stars). 2 submissions from 2 submitters: Uncertain significance (2). Last evaluated 2025-07-03.

Conditions:
Familial thoracic aortic aneurysm and aortic dissection (TAAD). Also called: Thoracic aortic aneurysms and dissections. Identifiers: Orphanet 91387, MedGen C4707243, MONDO:0019625.
Congenital contractural arachnodactyly (CCA). Also called: Arthrogryposis, distal, type 9; BEALS SYNDROME; Beals-Hecht syndrome. Identifiers: Orphanet 115, MedGen C0220668, MONDO:0007363, OMIM 121050.

gnomAD v4.1: 1 of 1,614,080 alleles (0.000062%); highest among the groups gnomAD compares: Non-Finnish European, 0.000085%; no homozygotes.

Submissions (2):

Ambry Genetics
Classification: Uncertain significance for Familial thoracic aortic aneurysm and aortic dissection. Last evaluated: 2025-07-03. Review status: criteria provided, single submitter. Criteria: Ambry Variant Classification Scheme 2023. Collection method: clinical testing. Allele origin: germline.
Comment: The p.Q2625R variant (also known as c.7874A>G), located in coding exon 62 of the FBN2 gene, results from an A to G substitution at nucleotide position 7874. The glutamine at codon 2625 is replaced by arginine, an amino acid with highly similar properties. This amino acid position is highly conserved in available vertebrate species. In addition, this alteration is predicted to be deleterious by in silico analysis. Based on the available evidence, the clinical significance of this variant remains unclear.

Labcorp Genetics (formerly Invitae), Labcorp
Classification: Uncertain significance for Congenital contractural arachnodactyly. Last evaluated: 2024-06-17. Review status: criteria provided, single submitter. Criteria: Invitae Variant Classification Sherloc (09022015). Collection method: clinical testing. Allele origin: germline.
Comment: This sequence change replaces glutamine, which is neutral and polar, with arginine, which is basic and polar, at codon 2625 of the FBN2 protein (p.Gln2625Arg). This variant is present in population databases (no rsID available, gnomAD 0.0009%). This variant has not been reported in the literature in individuals affected with FBN2-related conditions. Advanced modeling of protein sequence and biophysical properties (such as structural, functional, and spatial information, amino acid conservation, physicochemical variation, residue mobility, and thermodynamic stability) performed at Invitae indicates that this missense variant is not expected to disrupt FBN2 protein function with a negative predictive value of 80%. In summary, the available evidence is currently insufficient to determine the role of this variant in disease. Therefore, it has been classified as a Variant of Uncertain Significance.